The following is an entry in ClinVar:

NM_001105244.2(PTPRM):c.4050A>G (p.Gln1350=)

Gene: PTPRM (protein tyrosine phosphatase receptor type M; plus strand). Cytogenetic location: 18p11.23.
Variant type: single nucleotide variant.
Coding change: c.4050A>G on transcript NM_001105244.2 (MANE Select); coding-DNA position 4050, A replaced by G.
Protein change: p.Gln1350=; no amino-acid change (glutamine 1350 retained).
Molecular consequence: synonymous variant.
Genome position (GRCh38, 1-based): chr18:8,387,077, A>G. VCF-style: chr18-8387077-A-G. GRCh37 (hg19) VCF-style: chr18-8387075-A-G.
Other names: c.3372A>G, p.Gln1124= (NM_001378142.1); c.3411A>G, p.Gln1137= (NM_001378143.1); c.3447A>G, p.Gln1149= (NM_001378144.1); c.3486A>G, p.Gln1162= (NM_001378145.1); c.3462A>G, p.Gln1154= (NM_001378146.1); c.3537A>G, p.Gln1179= (NM_001378147.1); c.4011A>G, p.Gln1337= (NM_002845.4).
Identifiers: ClinVar variation 3056475 (VCV003056475.2), dbSNP rs149722113, ClinGen allele CA8884957.

ClinVar aggregate classification (germline): Likely benign (0 of 4 stars; one submission).

Conditions:
PTPRM-related disorder. Also called: PTPRM-related condition.

Allele frequency attached by ClinVar (database versions not stated): gnomAD 0.00001; gnomAD exomes 0.00002; TOPMed 0.00003; ExAC 0.00007.
gnomAD v4.1: 24 of 1,604,842 alleles (0.0015%); highest among the groups gnomAD compares: Admixed American, 0.033%; no homozygotes.

Submission:

PreventionGenetics, part of Exact Sciences
Classification: Likely benign for PTPRM-related condition. Last evaluated: 2019-04-29. Review status: no assertion criteria provided. Collection method: clinical testing. Allele origin: germline.
Comment: This variant is classified as likely benign based on ACMG/AMP sequence variant interpretation guidelines (Richards et al. 2015 PMID: 25741868, with internal and published modifications).